The following is an entry in ClinVar:

NM_022124.6(CDH23):c.9128G>C (p.Arg3043Pro)

Gene: CDH23 (cadherin related 23; plus strand). Cytogenetic location: 10q22.1.
Variant type: single nucleotide variant.
Coding change: c.9128G>C on transcript NM_022124.6 (MANE Select); coding-DNA position 9128, G replaced by C.
Protein change: p.Arg3043Pro; replaces arginine 3043 with proline.
Molecular consequence: missense variant.
Genome position (GRCh38, 1-based): chr10:71,811,365, G>C. VCF-style: chr10-71811365-G-C. GRCh37 (hg19) VCF-style: chr10-73571122-G-C.
Other names: c.2408G>C, p.Arg803Pro (NM_001171933.1, NM_001171934.1); short protein forms R3043P, R803P.
Identifiers: ClinVar variation 2573609 (VCV002573609.1), dbSNP rs565784910, ClinGen allele CA377134655.

ClinVar aggregate classification (germline): Uncertain significance (1 of 4 stars; one submission).

Submission:

Women's Health and Genetics/Laboratory Corporation of America, LabCorp
Classification: Uncertain significance. Last evaluated: 2023-06-22. Review status: criteria provided, single submitter. Criteria: LabCorp Variant Classification Summary - May 2015. Collection method: clinical testing. Allele origin: germline.
Comment: Variant summary: CDH23 c.9128G>C (p.Arg3043Pro) results in a non-conservative amino acid change in the encoded protein sequence. Three of five in-silico tools predict a damaging effect of the variant on protein function. The variant was absent in 249150 control chromosomes. The available data on variant occurrences in the general population are insufficient to allow any conclusion about variant significance. c.9128G>C has been reported in the literature in at least one individual affected with deafness (e.g., Usami_2022). To our knowledge, no experimental evidence demonstrating an impact on protein function has been reported. The following publication has been ascertained in the context of this evaluation (PMID: 35020051). No submitters have cited clinical-significance assessments for this variant to ClinVar after 2014. Based on the evidence outlined above, the variant was classified as uncertain significance.

Literature cited by the submitters: PubMed 35020051.